The following is an entry in ClinVar:

ClinVar aggregate classification (germline): Likely pathogenic (1 of 4 stars; one submission).

Conditions:
MPI-congenital disorder of glycosylation. Also called: CONGENITAL DISORDER OF GLYCOSYLATION, TYPE Ib; CDG Ib; MANNOSEPHOSPHATE ISOMERASE DEFICIENCY; PROTEIN-LOSING ENTEROPATHY-HEPATIC FIBROSIS SYNDROME; MPI-CDG; MPI DEFICIENCY. Identifiers: Orphanet 79319, MedGen C1865145, MONDO:0011257, OMIM 602579.

Submission:

Natera, Inc.
Classification: Likely pathogenic for Congenital disorder of glycosylation type 1b. Last evaluated: 2024-08-12. Review status: criteria provided, single submitter. Criteria: Natera Variant Classification Schema (03/2026). Collection method: clinical testing. Allele origin: germline.
Comment: The c.16+1G>C variant in MPI is a canonical splice donor site variant predicted to affect pre-mRNA splicing, which may result in an abnormal transcript and altered protein product. This variant is expected to result in nonsense mediated decay, truncation, or a dysfunctional protein product. This variant is rare in the general population with a frequency below the threshold expected for the associated phenotype(s). Given the available evidence, this variant is classified as Likely Pathogenic.

NM_002435.3(MPI):c.16+1G>C

Gene: MPI (mannose phosphate isomerase; plus strand). Cytogenetic location: 15q24.1.
Variant type: single nucleotide variant.
Coding change: c.16+1G>C on transcript NM_002435.3 (MANE Select); the canonical splice donor site of the intron after coding-DNA position 16, G replaced by C.
Molecular consequence: splice donor variant.
Genome position (GRCh38, 1-based): chr15:74,890,090, G>C. VCF-style: chr15-74890090-G-C. GRCh37 (hg19) VCF-style: chr15-75182431-G-C.
Other names: c.-134+1G>C (NM_001330372.2); c.16+1G>C (NM_001289155.2, NM_001289157.2); c.-7+1G>C (NM_001289156.2).
Identifiers: ClinVar variation 4815036 (VCV004815036.1).